The following is an entry in ClinVar:

NM_001123385.2(BCOR):c.1260T>C (p.Asp420=)

Genes: BCOR (BCL6 corepressor; minus strand), LOC126863239 (MED14-independent group 3 enhancer GRCh37_chrX:39932994-39934193; plus strand). Cytogenetic location: Xp11.4.
Variant type: single nucleotide variant.
Coding change: c.1260T>C on transcript NM_001123385.2 (MANE Select); coding-DNA position 1260, T replaced by C.
Protein change: p.Asp420=; no amino-acid change (aspartic acid 420 retained).
Molecular consequence: synonymous variant.
Genome position (GRCh38, 1-based): chrX:40,074,086, A>G on the plus strand (T>C on the coding strand, the complement: BCOR is on the minus strand). VCF-style: chrX-40074086-A-G. GRCh37 (hg19) VCF-style: chrX-39933339-A-G.
Other names: c.1260T>C, p.Asp420= (NM_001123383.2, NM_001123384.2, NM_017745.6).
Identifiers: ClinVar variation 95764 (VCV000095764.28), dbSNP rs5917933, ClinGen allele CA148813.

ClinVar aggregate classification (germline): Benign. Review status: criteria provided, multiple submitters, no conflicts (2 of 4 stars). 11 submissions from 11 submitters: Benign (8). 3 of the submissions do not count toward it. Last evaluated 2026-02-03.

Conditions:
Inborn genetic diseases. Identifiers: MedGen C0950123, MeSH D030342.
Oculofaciocardiodental syndrome (MCOPS2). Identifiers: Orphanet 2712, MedGen C1846265, MONDO:0010261, OMIM 300166.

Allele frequency attached by ClinVar (database versions not stated): ExAC 0.89525; ESP Exome Variant Server 0.89575; TOPMed 0.90218; 1000 Genomes Project 0.90305; 1000 Genomes Project 30x 0.90510; gnomAD 0.91469.

Submissions (11):

Labcorp Genetics (formerly Invitae), Labcorp
Classification: Benign for Oculofaciocardiodental syndrome. Last evaluated: 2026-02-03. Review status: criteria provided, single submitter. Criteria: Invitae Variant Classification Sherloc (09022015). Collection method: clinical testing. Allele origin: germline.

Blueprint Genetics
Classification: Benign. Last evaluated: 2024-11-28. Review status: criteria provided, single submitter. Criteria: ACMG Guidelines, 2015. Collection method: clinical testing. Allele origin: germline.

Genome-Nilou Lab
Classification: Benign for Oculofaciocardiodental syndrome. Last evaluated: 2021-07-14. Review status: criteria provided, single submitter. Criteria: ACMG Guidelines, 2015. Collection method: clinical testing. Allele origin: germline. Affected: no.

Ambry Genetics
Classification: Benign for Inborn genetic diseases. Last evaluated: 2015-06-22. Review status: criteria provided, single submitter. Criteria: Ambry Variant Classification Scheme 2023. Collection method: clinical testing. Allele origin: germline.

GeneDx
Classification: Benign. Last evaluated: 2015-03-03. Review status: criteria provided, single submitter. Criteria: GeneDx Variant Classification Process June 2021. Collection method: clinical testing. Allele origin: germline. Affected: yes.

Eurofins Ntd Llc (ga)
Classification: Benign. Last evaluated: 2014-03-19. Review status: criteria provided, single submitter. Criteria: EGL Classification Definitions 2015. Collection method: clinical testing. Allele origin: germline. Observed: 71 variant alleles, 2 heterozygotes, 13 homozygotes, 56 hemizygotes.

Breakthrough Genomics
Classification: Benign. Review status: criteria provided, single submitter. Criteria: ACMG Guidelines, 2015. Collection method: not provided. Allele origin: germline. Inheritance: X-linked inheritance. Affected: yes.

PreventionGenetics, part of Exact Sciences
Classification: Benign. Review status: criteria provided, single submitter. Criteria: ACMG Guidelines, 2015. Collection method: clinical testing. Allele origin: germline.

Diagnostic Laboratory, Department of Genetics, University Medical Center Groningen
Classification: Benign for Oculofaciocardiodental syndrome. Review status: no assertion criteria provided. Collection method: clinical testing. Allele origin: germline. Affected: yes. Study: VKGL Data-share Consensus. Not counted in ClinVar's aggregate classification.

Genetic Services Laboratory, University of Chicago
Classification: Likely benign for AllHighlyPenetrant. Review status: no assertion criteria provided. Collection method: clinical testing. Allele origin: germline. Inheritance: X-linked inheritance. Not counted in ClinVar's aggregate classification.
Comment: Likely benign based on allele frequency in 1000 Genomes Project or ESP global frequency and its presence in a patient with a rare or unrelated disease phenotype. NOT Sanger confirmed.

Genome Diagnostics Laboratory, University Medical Center Utrecht
Classification: Benign. Review status: no assertion criteria provided. Collection method: clinical testing. Allele origin: germline. Affected: yes. Study: VKGL Data-share Consensus. Not counted in ClinVar's aggregate classification.